The following is an entry in ClinVar:

NM_000030.3(AGXT):c.327del (p.Gln110fs)

Gene: AGXT (alanine--glyoxylate aminotransferase; plus strand). Cytogenetic location: 2q37.3.
Variant type: Deletion.
Coding change: c.327del on transcript NM_000030.3 (MANE Select); coding-DNA position 327, one base deleted (G; older notation c.327delG).
Protein change: p.Gln110fs; shifts the reading frame from glutamine 110.
Molecular consequence: frameshift variant.
Genome position (GRCh38, 1-based): chr2:240,869,331, G deleted; the last of 5 consecutive G bases (chr2:240,869,327-240,869,331); deleting any one gives the same sequence. VCF-style (leftmost placement, unchanged base first): chr2-240869326-TG-T. GRCh37 (hg19) VCF-style: chr2-241808743-TG-T.
Other names: short protein forms Q110fs.
Identifiers: ClinVar variation 204182 (VCV000204182.7), dbSNP rs180177200, ClinGen allele CA275824.
Genomic context (GRCh38, chr2:240,869,326, plus strand): 5'-GCCGCCCTGGTCAATGTGCTGGAGCCTGGGGACTCCTTCCTGGTTGGGGCCAATGGCATT[TG>T]GGGGCAGCGAGCCGTGGACATCGGGGAGCGCATAGGTAAGGGAGAGGCCCAGGTGGGGAT-3'

ClinVar aggregate classification (germline): Pathogenic. Review status: criteria provided, multiple submitters, no conflicts (2 of 4 stars). 4 submissions from 4 submitters: Pathogenic (3). 1 of the submissions does not count toward it. Last evaluated 2023-11-11.

Conditions:
Primary hyperoxaluria, type I (HP1). Also called: GLYCOLIC ACIDURIA; HEPATIC AGT DEFICIENCY; OXALOSIS I; Primary hyperoxaluria type 1. Identifiers: Orphanet 416, Orphanet 93598, MedGen C0268164, MONDO:0009823, OMIM 259900. Disease mechanism: loss of function.

Submissions (4):

Labcorp Genetics (formerly Invitae), Labcorp
Classification: Pathogenic. Last evaluated: 2023-11-11. Review status: criteria provided, single submitter. Criteria: Invitae Variant Classification Sherloc (09022015). Collection method: clinical testing. Allele origin: germline.
Comment: This sequence change creates a premature translational stop signal (p.Gln110Serfs*10) in the AGXT gene. It is expected to result in an absent or disrupted protein product. Loss-of-function variants in AGXT are known to be pathogenic (PMID: 19479957). This variant is not present in population databases (gnomAD no frequency). This premature translational stop signal has been observed in individual(s) with primary hyperoxaluria type 1 (PMID: 15963748). ClinVar contains an entry for this variant (Variation ID: 204182). For these reasons, this variant has been classified as Pathogenic.

Baylor Genetics
Classification: Pathogenic for Primary hyperoxaluria, type I. Last evaluated: 2023-04-29. Review status: criteria provided, single submitter. Criteria: ACMG Guidelines, 2015. Collection method: clinical testing. Allele origin: unknown.

Fulgent Genetics
Classification: Pathogenic for Primary hyperoxaluria, type I. Last evaluated: 2021-08-09. Review status: criteria provided, single submitter. Criteria: ACMG Guidelines, 2015. Collection method: clinical testing. Allele origin: unknown.

Clinical Biochemistry Laboratory, Health Services Laboratory
Classification: Pathogenic for Primary hyperoxaluria, type I. Last evaluated: 2014-11-27. Review status: no assertion criteria provided. Collection method: research. Allele origin: germline. Affected: yes. Not counted in ClinVar's aggregate classification.

Literature cited by the submitters: PubMed 19479957 (cited by Labcorp Genetics (formerly Invitae), Labcorp); PubMed 15963748 (cited by Labcorp Genetics (formerly Invitae), Labcorp and Clinical Biochemistry Laboratory, Health Services Laboratory).